The following is an entry in ClinVar:

ClinVar aggregate classification (germline): Uncertain significance (1 of 4 stars; one submission).

Conditions:
TP63-Related Spectrum Disorders.

Submission:

Labcorp Genetics (formerly Invitae), Labcorp
Classification: Uncertain significance. Last evaluated: 2024-10-12. Review status: criteria provided, single submitter. Criteria: Invitae Variant Classification Sherloc (09022015). Collection method: clinical testing. Allele origin: germline.
Comment: This sequence change replaces methionine, which is neutral and non-polar, with threonine, which is neutral and polar, at codon 516 of the TP63 protein (p.Met516Thr). This variant is not present in population databases (gnomAD no frequency). This variant has not been reported in the literature in individuals affected with TP63-related conditions. Invitae Evidence Modeling of protein sequence and biophysical properties (such as structural, functional, and spatial information, amino acid conservation, physicochemical variation, residue mobility, and thermodynamic stability) indicates that this missense variant is not expected to disrupt TP63 protein function with a negative predictive value of 80%. In summary, the available evidence is currently insufficient to determine the role of this variant in disease. Therefore, it has been classified as a Variant of Uncertain Significance.

NM_003722.5(TP63):c.1547T>C (p.Met516Thr)

Gene: TP63 (tumor protein p63; plus strand). Cytogenetic location: 3q28.
Variant type: single nucleotide variant.
Coding change: c.1547T>C on transcript NM_003722.5 (MANE Select); coding-DNA position 1547, T replaced by C.
Protein change: p.Met516Thr; replaces methionine 516 with threonine.
Molecular consequence: missense variant. On other transcripts: intron variant (4).
Genome position (GRCh38, 1-based): chr3:189,889,379, T>C. VCF-style: chr3-189889379-T-C. GRCh37 (hg19) VCF-style: chr3-189607168-T-C.
Other names: c.958+2828T>C (NM_001329150.2); c.1547T>C, p.Met516Thr (NM_001114978.2); c.1265T>C, p.Met422Thr (NM_001114980.2, NM_001114981.2); c.1010T>C, p.Met337Thr (NM_001329146.2); c.1535T>C, p.Met512Thr (NM_001329148.2); c.1541T>C, p.Met514Thr (NM_001329964.2); c.1507+2828T>C (NM_001329144.2); c.1225+2828T>C (NM_001329145.2); and 1 more; short protein forms M512T, M337T, M422T, M514T, M516T.
Identifiers: ClinVar variation 3721049 (VCV003721049.1).